The following is an entry in ClinVar:

ClinVar aggregate classification (germline): Uncertain significance (1 of 4 stars; one submission).

Conditions:
Polyglucosan body myopathy type 1 (PGBM1). Also called: Polyglucosan body myopathy 1 with or without immunodeficiency; POLYGLUCOSAN BODY MYOPATHY WITHOUT IMMUNODEFICIENCY. Identifiers: Orphanet 329173, Orphanet 397937, MedGen C4014605, MONDO:0014389, OMIM 615895.

Submission:

Labcorp Genetics (formerly Invitae), Labcorp
Classification: Uncertain significance for Polyglucosan body myopathy type 1. Last evaluated: 2024-04-22. Review status: criteria provided, single submitter. Criteria: Invitae Variant Classification Sherloc (09022015). Collection method: clinical testing. Allele origin: germline.
Comment: This sequence change replaces tryptophan, which is neutral and slightly polar, with arginine, which is basic and polar, at codon 462 of the RBCK1 protein (p.Trp462Arg). This variant is not present in population databases (gnomAD no frequency). This variant has not been reported in the literature in individuals affected with RBCK1-related conditions. ClinVar contains an entry for this variant (Variation ID: 2090216). Advanced modeling of protein sequence and biophysical properties (such as structural, functional, and spatial information, amino acid conservation, physicochemical variation, residue mobility, and thermodynamic stability) performed at Invitae indicates that this missense variant is expected to disrupt RBCK1 protein function with a positive predictive value of 80%. In summary, the available evidence is currently insufficient to determine the role of this variant in disease. Therefore, it has been classified as a Variant of Uncertain Significance.

NM_031229.4(RBCK1):c.1384T>C (p.Trp462Arg)

Gene: RBCK1 (RANBP2-type and C3HC4-type zinc finger containing 1; plus strand). Cytogenetic location: 20p13.
Variant type: single nucleotide variant.
Coding change: c.1384T>C on transcript NM_031229.4 (MANE Select); coding-DNA position 1384, T replaced by C.
Protein change: p.Trp462Arg; replaces tryptophan 462 with arginine.
Molecular consequence: missense variant. On other transcripts: non-coding transcript variant (1).
Genome position (GRCh38, 1-based): chr20:429,026, T>C. VCF-style: chr20-429026-T-C. GRCh37 (hg19) VCF-style: chr20-409670-T-C.
Other names: c.874T>C, p.Trp292Arg (NM_001323956.2, NM_001323958.2); c.1435T>C, p.Trp479Arg (NM_001410770.1); c.1258T>C, p.Trp420Arg (NM_006462.6); short protein forms W462R, W292R, W479R, W420R.
Identifiers: ClinVar variation 2090216 (VCV002090216.4), dbSNP rs2514554515, ClinGen allele CA407938498.